The following is an entry in ClinVar:

ClinVar aggregate classification (germline): Likely pathogenic (1 of 4 stars; one submission).

Submission:

GeneDx
Classification: Likely pathogenic. Last evaluated: 2020-08-29. Review status: criteria provided, single submitter. Criteria: GeneDx Variant Classification Process June 2021. Collection method: clinical testing. Allele origin: germline. Affected: yes.
Comment: Nonsense variant predicted to result in protein truncation or nonsense mediated decay in a gene for which loss-of-function is a known mechanism of disease; Not observed in large population cohorts (Lek et al., 2016); Has not been previously published as pathogenic or benign to our knowledge

NM_182961.4(SYNE1):c.13666G>T (p.Glu4556Ter)

Gene: SYNE1 (spectrin repeat containing nuclear envelope protein 1; minus strand). Cytogenetic location: 6q25.2.
Variant type: single nucleotide variant.
Coding change: c.13666G>T on transcript NM_182961.4 (MANE Select); coding-DNA position 13666, G replaced by T.
Protein change: p.Glu4556Ter; replaces glutamic acid 4556 with a stop codon.
Molecular consequence: nonsense.
Genome position (GRCh38, 1-based): chr6:152,331,019, C>A on the plus strand (G>T on the coding strand, the complement: SYNE1 is on the minus strand). VCF-style: chr6-152331019-C-A. GRCh37 (hg19) VCF-style: chr6-152652154-C-A.
Other names: c.13453G>T, p.Glu4485Ter (NM_033071.5); short protein forms E4485*, E4556*.
Identifiers: ClinVar variation 1193201 (VCV001193201.2), dbSNP rs769284492, ClinGen allele CA366100654.
Genomic context (GRCh38, chr6:152,331,019, plus strand): 5'-GGCAAGCTTTATCAAAATCTTCCTTAAAATGCTTCCTAGAAACCAAATTCTTCTCTAGTT[C>A]TTGTAACCGGTGACTGCACTTTTGTAAAACACTGTCATAGACACTCTGCAATTCCTGAAG-3'